The following is an entry in ClinVar:

NM_005618.4(DLL1):c.1250-1G>A

Gene: DLL1 (delta like canonical Notch ligand 1; minus strand). Cytogenetic location: 6q27.
Variant type: single nucleotide variant.
Coding change: c.1250-1G>A on transcript NM_005618.4 (MANE Select); the canonical splice acceptor site of the intron before coding-DNA position 1250, G replaced by A.
Molecular consequence: splice acceptor variant.
Genome position (GRCh38, 1-based): chr6:170,284,030, C>T on the plus strand (G>A on the coding strand, the complement: DLL1 is on the minus strand). VCF-style: chr6-170284030-C-T. GRCh37 (hg19) VCF-style: chr6-170593118-C-T.
Identifiers: ClinVar variation 1327458 (VCV001327458.2), dbSNP rs868738986, ClinGen allele CA366507677.
Genomic context (GRCh38, chr6:170,284,030, plus strand): 5'-CCGAGAAGCCGGCCTGGCAGCGGCACAGGTAGGCATCACCGAGGTCCACACACTTGGCAC[C>T]TGGAACACAGGGACATGAACATCACGTGTCTCCTCGTAGGTTTGTTCACCAAAAAGTCAC-3'

ClinVar aggregate classification (germline): Pathogenic (1 of 4 stars; one submission).

Conditions:
Neurodevelopmental disorder with nonspecific brain abnormalities and with or without seizures. Identifiers: MedGen C5231470, MONDO:0032877, OMIM 618709.

Submission:

Center for Human Genetics and Genomic Medicine, Uniklinik Rwth Aachen
Classification: Pathogenic for Neurodevelopmental disorder with nonspecific brain abnormalities and with or without seizures. Last evaluated: 2021-12-08. Review status: criteria provided, single submitter. Criteria: ACMG Guidelines, 2015. Collection method: clinical testing. Allele origin: de novo. Inheritance: Autosomal dominant inheritance. Affected: yes. Observed: 1 heterozygote.
Comment: The variant is reported in the dbSNP database (dbSNP150, status December 7th, 2021) with the designation rs868738986. It is not listed in gnomAD and ClinVar (as of December 7th, 2021). In bioinformatics, the change is classified as “likely disease causing” (CADDphred 23.7). The change affects the canonical splice site and therefore it is very likely that it causes the loss of function of the protein. The variant is currently to be regarded as a "pathogenic variant" (ACMG criteria).